The following is an entry in ClinVar:

ClinVar aggregate classification (germline): Uncertain significance (1 of 4 stars; one submission).

gnomAD v4.1: 5 of 1,613,166 alleles (0.00031%); highest among the groups gnomAD compares: African/African-American, 0.0067%; no homozygotes.

Submission:

Labcorp Genetics (formerly Invitae), Labcorp
Classification: Uncertain significance. Last evaluated: 2025-07-15. Review status: criteria provided, single submitter. Criteria: Invitae Variant Classification Sherloc (09022015). Collection method: clinical testing. Allele origin: germline.
Comment: This sequence change replaces glutamine, which is neutral and polar, with arginine, which is basic and polar, at codon 1465 of the C3 protein (p.Gln1465Arg). This variant is present in population databases (no rsID available, gnomAD 0.01%). This variant has not been reported in the literature in individuals affected with C3-related conditions. Invitae Evidence Modeling of protein sequence and biophysical properties (such as structural, functional, and spatial information, amino acid conservation, physicochemical variation, residue mobility, and thermodynamic stability) indicates that this missense variant is not expected to disrupt C3 protein function with a negative predictive value of 80%. In summary, the available evidence is currently insufficient to determine the role of this variant in disease. Therefore, it has been classified as a Variant of Uncertain Significance.

NM_000064.4(C3):c.4394A>G (p.Gln1465Arg)

Gene: C3 (complement C3; minus strand). Cytogenetic location: 19p13.3.
Variant type: single nucleotide variant.
Coding change: c.4394A>G on transcript NM_000064.4 (MANE Select); coding-DNA position 4394, A replaced by G.
Protein change: p.Gln1465Arg; replaces glutamine 1465 with arginine.
Molecular consequence: missense variant.
Genome position (GRCh38, 1-based): chr19:6,680,220, T>C on the plus strand (A>G on the coding strand, the complement: C3 is on the minus strand). VCF-style: chr19-6680220-T-C. GRCh37 (hg19) VCF-style: chr19-6680231-T-C.
Other names: short protein forms Q1465R.
Identifiers: ClinVar variation 4703237 (VCV004703237.1).